The following is an entry in ClinVar:

NM_000057.4(BLM):c.3508T>C (p.Tyr1170His)

Gene: BLM (BLM RecQ like helicase; plus strand). Cytogenetic location: 15q26.1.
Variant type: single nucleotide variant.
Coding change: c.3508T>C on transcript NM_000057.4 (MANE Select); coding-DNA position 3508, T replaced by C.
Protein change: p.Tyr1170His; replaces tyrosine 1170 with histidine.
Molecular consequence: missense variant. On other transcripts: intron variant (1).
Genome position (GRCh38, 1-based): chr15:90,803,670, T>C. VCF-style: chr15-90803670-T-C. GRCh37 (hg19) VCF-style: chr15-91346900-T-C.
Other names: c.3508T>C, p.Tyr1170His (NM_001287246.2); c.2383T>C, p.Tyr795His (NM_001287248.2); c.3358+5333T>C (NM_001287247.2); short protein forms Y1170H, Y795H.
Identifiers: ClinVar variation 3655682 (VCV003655682.2).

ClinVar aggregate classification (germline): Uncertain significance (1 of 4 stars; one submission).

Conditions:
Bloom syndrome (BLM). Also called: Bloom-Torre-Machacek syndrome. Identifiers: Orphanet 125, MedGen C0005859, MONDO:0008876, OMIM 210900.

gnomAD v4.1: 1 of 1,614,192 alleles (0.000062%); highest among the groups gnomAD compares: Non-Finnish European, 0.000085%; no homozygotes.

Submission:

Labcorp Genetics (formerly Invitae), Labcorp
Classification: Uncertain significance for Bloom syndrome. Last evaluated: 2024-06-05. Review status: criteria provided, single submitter. Criteria: Invitae Variant Classification Sherloc (09022015). Collection method: clinical testing. Allele origin: germline.
Comment: This sequence change replaces tyrosine, which is neutral and polar, with histidine, which is basic and polar, at codon 1170 of the BLM protein (p.Tyr1170His). This variant is not present in population databases (gnomAD no frequency). This variant has not been reported in the literature in individuals affected with BLM-related conditions. Advanced modeling of protein sequence and biophysical properties (such as structural, functional, and spatial information, amino acid conservation, physicochemical variation, residue mobility, and thermodynamic stability) performed at Invitae indicates that this missense variant is expected to disrupt BLM protein function with a positive predictive value of 80%. In summary, the available evidence is currently insufficient to determine the role of this variant in disease. Therefore, it has been classified as a Variant of Uncertain Significance.